The following is an entry in ClinVar:

NM_000551.4(VHL):c.175C>T (p.Pro59Ser)

Gene: VHL (von Hippel-Lindau tumor suppressor; plus strand). Cytogenetic location: 3p25.3.
Variant type: single nucleotide variant.
Coding change: c.175C>T on transcript NM_000551.4 (MANE Select); coding-DNA position 175, C replaced by T.
Protein change: p.Pro59Ser; replaces proline 59 with serine.
Molecular consequence: missense variant.
Genome position (GRCh38, 1-based): chr3:10,142,022, C>T. VCF-style: chr3-10142022-C-T. GRCh37 (hg19) VCF-style: chr3-10183706-C-T.
Other names: c.175C>T, p.Pro59Ser (NM_001354723.2, NM_198156.3); short protein forms P59S.
Identifiers: ClinVar variation 231233 (VCV000231233.15), dbSNP rs876659041, ClinGen allele CA10578179.

ClinVar aggregate classification (germline): Conflicting classifications of pathogenicity. Review status: criteria provided, conflicting classifications (1 of 4 stars). 2 submissions from 2 submitters: Uncertain significance (1); Likely benign (1). Last evaluated 2026-05-18.

Conditions:
Von Hippel-Lindau syndrome (VHLS). Also called: Von Hippel-Lindau; von Hippel–Lindau syndrome; VHL syndrome. Identifiers: Orphanet 892, MedGen C0019562, MONDO:0008667, OMIM 193300. Disease mechanism: loss of function.
Chuvash polycythemia. Also called: POLYCYTHEMIA, VHL-DEPENDENT. Identifiers: Orphanet 238557, MedGen C1837915, MONDO:0009892, OMIM 263400.
Hereditary cancer-predisposing syndrome. Also called: Neoplastic Syndromes, Hereditary; Hereditary Cancer Syndrome; Tumor predisposition; Hereditary neoplastic syndrome. Identifiers: Orphanet 140162, MedGen C0027672, MeSH D009386, MONDO:0015356.

Submissions (2):

Ambry Genetics
Classification: Likely benign for Hereditary cancer-predisposing syndrome. Last evaluated: 2026-05-18. Review status: criteria provided, single submitter. Criteria: Ambry Variant Classification Scheme 2023. Collection method: clinical testing. Allele origin: germline.

Labcorp Genetics (formerly Invitae), Labcorp
Classification: Uncertain significance for Von Hippel-Lindau syndrome; Chuvash polycythemia. Last evaluated: 2024-06-17. Review status: criteria provided, single submitter. Criteria: Invitae Variant Classification Sherloc (09022015). Collection method: clinical testing. Allele origin: germline.
Comment: This sequence change replaces proline, which is neutral and non-polar, with serine, which is neutral and polar, at codon 59 of the VHL protein (p.Pro59Ser). This variant is not present in population databases (gnomAD no frequency). This missense change has been observed in individual(s) with pheocromocytoma (PMID: 21463266). ClinVar contains an entry for this variant (Variation ID: 231233). Algorithms developed to predict the effect of missense changes on protein structure and function output the following: SIFT: "Not Available"; PolyPhen-2: "Benign"; Align-GVGD: "Not Available". The serine amino acid residue is found in multiple mammalian species, which suggests that this missense change does not adversely affect protein function. In summary, the available evidence is currently insufficient to determine the role of this variant in disease. Therefore, it has been classified as a Variant of Uncertain Significance.

Literature cited by the submitters: PubMed 38969834 (cited by Ambry Genetics); PubMed 21463266 (cited by Labcorp Genetics (formerly Invitae), Labcorp).